The following is an entry in ClinVar:

ClinVar aggregate classification (germline): Uncertain significance (1 of 4 stars; one submission).

Submission:

GeneDx
Classification: Uncertain significance. Last evaluated: 2023-12-12. Review status: criteria provided, single submitter. Criteria: GeneDx Variant Classification Process June 2021. Collection method: clinical testing. Allele origin: germline. Affected: yes.
Comment: Not observed at significant frequency in large population cohorts (gnomAD); In silico analysis supports that this missense variant has a deleterious effect on protein structure/function; Has not been previously published as pathogenic or benign to our knowledge

NM_001069.3(TUBB2A):c.329C>T (p.Ala110Val)

Gene: TUBB2A (tubulin beta 2A class IIa; minus strand). Cytogenetic location: 6p25.2.
Variant type: single nucleotide variant.
Coding change: c.329C>T on transcript NM_001069.3 (MANE Select); coding-DNA position 329, C replaced by T.
Protein change: p.Ala110Val; replaces alanine 110 with valine.
Molecular consequence: missense variant.
Genome position (GRCh38, 1-based): chr6:3,154,872, G>A on the plus strand (C>T on the coding strand, the complement: TUBB2A is on the minus strand). VCF-style: chr6-3154872-G-A. GRCh37 (hg19) VCF-style: chr6-3155106-G-A.
Other names: c.74C>T, p.Ala25Val (NM_001310315.2); short protein forms A110V, A25V.
Identifiers: ClinVar variation 3253360 (VCV003253360.1), dbSNP rs1457278435.